The following is an entry in ClinVar:

NM_000548.5(TSC2):c.4267C>G (p.Leu1423Val)

Gene: TSC2 (TSC complex subunit 2; plus strand). Cytogenetic location: 16p13.3.
Variant type: single nucleotide variant.
Coding change: c.4267C>G on transcript NM_000548.5 (MANE Select); coding-DNA position 4267, C replaced by G.
Protein change: p.Leu1423Val; replaces leucine 1423 with valine.
Molecular consequence: missense variant. On other transcripts: non-coding transcript variant (5).
Genome position (GRCh38, 1-based): chr16:2,084,489, C>G. VCF-style: chr16-2084489-C-G. GRCh37 (hg19) VCF-style: chr16-2134490-C-G.
Other names: c.4051C>G, p.Leu1351Val (NM_001406675.1); c.4048C>G, p.Leu1350Val (NM_001406676.1); c.4009C>G, p.Leu1337Val (NM_001406677.1); c.3955C>G, p.Leu1319Val (NM_001406678.1); c.3919C>G, p.Leu1307Val (NM_001406679.1); c.3667C>G, p.Leu1223Val (NM_001406680.1); c.3607C>G, p.Leu1203Val (NM_001406681.1); c.3598C>G, p.Leu1200Val (NM_001406682.1, NM_001406683.1); and 26 more; short protein forms L1157V, L1203V, L1319V, L1351V, L1353V, L1386V, L1397V, L1422V.
Identifiers: ClinVar variation 3000186 (VCV003000186.3), dbSNP rs1484475537, ClinGen allele CA394300637.

ClinVar aggregate classification (germline): Uncertain significance (1 of 4 stars; one submission).

Conditions:
Tuberous sclerosis 2 (TSC2). Identifiers: Orphanet 805, MedGen C1860707, MONDO:0013199, OMIM 613254.

Allele frequency attached by ClinVar (database versions not stated): TOPMed below 0.00001; gnomAD 0.00001.
gnomAD v4.1: 1 of 1,609,072 alleles (0.000062%); highest among the groups gnomAD compares: Non-Finnish European, 0.000085%; no homozygotes.

Submission:

Labcorp Genetics (formerly Invitae), Labcorp
Classification: Uncertain significance for Tuberous sclerosis 2. Last evaluated: 2023-05-16. Review status: criteria provided, single submitter. Criteria: Invitae Variant Classification Sherloc (09022015). Collection method: clinical testing. Allele origin: germline.
Comment: In summary, the available evidence is currently insufficient to determine the role of this variant in disease. Therefore, it has been classified as a Variant of Uncertain Significance. Advanced modeling of protein sequence and biophysical properties (such as structural, functional, and spatial information, amino acid conservation, physicochemical variation, residue mobility, and thermodynamic stability) performed at Invitae indicates that this missense variant is not expected to disrupt TSC2 protein function. This variant has not been reported in the literature in individuals affected with TSC2-related conditions. This variant is not present in population databases (gnomAD no frequency). This sequence change replaces leucine, which is neutral and non-polar, with valine, which is neutral and non-polar, at codon 1423 of the TSC2 protein (p.Leu1423Val).